The following is an entry in ClinVar:

ClinVar aggregate classification (germline): Uncertain significance. Review status: criteria provided, multiple submitters, no conflicts (2 of 4 stars). 5 submissions from 5 submitters: Uncertain significance (5). Last evaluated 2025-06-20.

Conditions:
Inborn genetic diseases. Identifiers: MedGen C0950123, MeSH D030342.
Muscular dystrophy-dystroglycanopathy (congenital with brain and eye anomalies), type A2. Also called: WALKER-WARBURG SYNDROME OR MUSCLE-EYE-BRAIN DISEASE, POMT2-RELATED; MUSCULAR DYSTROPHY-DYSTROGLYCANOPATHY (CONGENITAL WITH BRAIN AND EYE ANOMALIES), TYPE A, 2. Identifiers: Orphanet 588, Orphanet 899, MedGen C3150411, MONDO:0013154, OMIM 613150.
Muscular dystrophy-dystroglycanopathy (congenital with impaired intellectual development), type B, 2. Also called: Muscular dystrophy-dystroglycanopathy (congenital with intellectual disability), type B2; MUSCULAR DYSTROPHY, CONGENITAL, POMT2-RELATED. Identifiers: MedGen C3150416, MONDO:0013160, OMIM 613156.
Autosomal recessive limb-girdle muscular dystrophy type 2N. Also called: MUSCULAR DYSTROPHY-DYSTROGLYCANOPATHY, LIMB-GIRDLE, POMT2-RELATED; Muscular dystrophy-dystroglycanopathy (limb-girdle), type C, 2. Identifiers: Orphanet 206559, MedGen C3150418, MONDO:0013162, OMIM 613158.

Allele frequency attached by ClinVar (database versions not stated): gnomAD exomes 0.00002 and 0.00012; gnomAD 0.00004 and 0.00003; ExAC 0.00005; TOPMed 0.00003.
gnomAD v4.1: 171 of 1,505,008 alleles (0.011%); highest among the groups gnomAD compares: Non-Finnish European, 0.014%; no homozygotes.

Submissions (5):

Revvity Omics, Revvity
Classification: Uncertain significance. Last evaluated: 2025-06-20. Review status: criteria provided, single submitter. Criteria: ACMG Guidelines, 2015. Collection method: clinical testing. Allele origin: germline.

GeneDx
Classification: Uncertain significance. Last evaluated: 2024-08-19. Review status: criteria provided, single submitter. Criteria: GeneDx Variant Classification Process June 2021. Collection method: clinical testing. Allele origin: germline. Affected: yes.
Comment: Not observed at significant frequency in large population cohorts (gnomAD); In silico analysis indicates that this missense variant does not alter protein structure/function; Has not been previously published as pathogenic or benign to our knowledge

Ambry Genetics
Classification: Uncertain significance for Inborn genetic diseases. Last evaluated: 2023-09-20. Review status: criteria provided, single submitter. Criteria: Ambry Variant Classification Scheme 2023. Collection method: clinical testing. Allele origin: germline.

Labcorp Genetics (formerly Invitae), Labcorp
Classification: Uncertain significance for Muscular dystrophy-dystroglycanopathy (congenital with impaired intellectual development), type B, 2; Muscular dystrophy-dystroglycanopathy (congenital with brain and eye anomalies), type A2; Autosomal recessive limb-girdle muscular dystrophy type 2N. Last evaluated: 2022-07-13. Review status: criteria provided, single submitter. Criteria: Invitae Variant Classification Sherloc (09022015). Collection method: clinical testing. Allele origin: germline.
Comment: This sequence change replaces glycine, which is neutral and non-polar, with valine, which is neutral and non-polar, at codon 691 of the POMT2 protein (p.Gly691Val). The frequency data for this variant in the population databases is considered unreliable, as metrics indicate poor data quality at this position in the gnomAD database. This variant has not been reported in the literature in individuals affected with POMT2-related conditions. ClinVar contains an entry for this variant (Variation ID: 282171). Algorithms developed to predict the effect of missense changes on protein structure and function (SIFT, PolyPhen-2, Align-GVGD) all suggest that this variant is likely to be tolerated. In summary, the available evidence is currently insufficient to determine the role of this variant in disease. Therefore, it has been classified as a Variant of Uncertain Significance.

Eurofins Ntd Llc (ga)
Classification: Uncertain significance. Last evaluated: 2015-07-30. Review status: criteria provided, single submitter. Criteria: EGL Classification Definitions 2015. Collection method: clinical testing. Allele origin: germline. Observed: 2 variant alleles, 2 heterozygotes.

NM_013382.7(POMT2):c.2072G>T (p.Gly691Val)

Gene: POMT2 (protein O-mannosyltransferase 2; minus strand). Cytogenetic location: 14q24.3.
Variant type: single nucleotide variant.
Coding change: c.2072G>T on transcript NM_013382.7 (MANE Select); coding-DNA position 2072, G replaced by T.
Protein change: p.Gly691Val; replaces glycine 691 with valine.
Molecular consequence: missense variant.
Genome position (GRCh38, 1-based): chr14:77,278,469, C>A on the plus strand (G>T on the coding strand, the complement: POMT2 is on the minus strand). VCF-style: chr14-77278469-C-A. GRCh37 (hg19) VCF-style: chr14-77744812-C-A.
Other names: c.2072G>T (NM_013382.5); short protein forms G691V.
Identifiers: ClinVar variation 282171 (VCV000282171.13), dbSNP rs758678348, ClinGen allele CA7285553.